The following is an entry in ClinVar:

ClinVar aggregate classification (germline): Benign/Likely benign. Review status: criteria provided, multiple submitters, no conflicts (2 of 4 stars). 6 submissions from 5 submitters: Benign (5); Likely benign (1). Last evaluated 2026-01-05.

Conditions:
Acrokeratosis verruciformis of Hopf (AKV). Also called: HOPF DISEASE; Acrokeratosis verruciformis. Identifiers: Orphanet 79151, MedGen C0265971, MONDO:0007048, OMIM 101900.
Keratosis follicularis (DAR). Also called: Darier disease; Darier's disease. Identifiers: Orphanet 218, MedGen C0022595, MONDO:0007417, OMIM 124200.

Allele frequency attached by ClinVar (database versions not stated): 1000 Genomes Project 0.00359; 1000 Genomes Project 30x 0.00375; TOPMed 0.00602; ESP Exome Variant Server 0.00669; gnomAD 0.00688; ExAC 0.00736.
gnomAD v4.1: 14,470 of 1,588,270 alleles (0.91%); highest among the groups gnomAD compares: Non-Finnish European, 1%; 75 homozygotes.

Submissions (6):

Labcorp Genetics (formerly Invitae), Labcorp
Classification: Benign. Last evaluated: 2026-01-05. Review status: criteria provided, single submitter. Criteria: Invitae Variant Classification Sherloc (09022015). Collection method: clinical testing. Allele origin: germline.

Fulgent Genetics
Classification: Likely benign for Acrokeratosis verruciformis of Hopf; Keratosis follicularis. Last evaluated: 2021-12-23. Review status: criteria provided, single submitter. Criteria: ACMG Guidelines, 2015. Collection method: clinical testing. Allele origin: unknown.

Genome-Nilou Lab
Classification: Benign for Acrokeratosis verruciformis of Hopf. Last evaluated: 2021-12-05. Review status: criteria provided, single submitter. Criteria: ACMG Guidelines, 2015. Collection method: clinical testing. Allele origin: germline. Affected: no.

Genome-Nilou Lab
Classification: Benign for Keratosis follicularis. Last evaluated: 2021-12-05. Review status: criteria provided, single submitter. Criteria: ACMG Guidelines, 2015. Collection method: clinical testing. Allele origin: germline. Affected: no.

GeneDx
Classification: Benign. Last evaluated: 2016-05-13. Review status: criteria provided, single submitter. Criteria: GeneDx Variant Classification (06012015). Collection method: clinical testing. Allele origin: germline. Affected: yes.
Comment: This variant is considered likely benign or benign based on one or more of the following criteria: it is a conservative change, it occurs at a poorly conserved position in the protein, it is predicted to be benign by multiple in silico algorithms, and/or has population frequency not consistent with disease.

Breakthrough Genomics
Classification: Benign. Review status: criteria provided, single submitter. Criteria: ACMG Guidelines, 2015. Collection method: not provided. Allele origin: germline. Inheritance: Autosomal dominant inheritance. Affected: yes.

NM_170665.4(ATP2A2):c.1096-16C>T

Gene: ATP2A2 (ATPase sarcoplasmic/endoplasmic reticulum Ca2+ transporting 2; plus strand). Cytogenetic location: 12q24.11.
Variant type: single nucleotide variant.
Coding change: c.1096-16C>T on transcript NM_170665.4 (MANE Select); 16 bases into the intron before coding-DNA position 1096, C replaced by T.
Molecular consequence: intron variant.
Genome position (GRCh38, 1-based): chr12:110,332,581, C>T. VCF-style: chr12-110332581-C-T. GRCh37 (hg19) VCF-style: chr12-110770386-C-T.
Other names: c.1096-16C>T (NM_001681.4).
Identifiers: ClinVar variation 379690 (VCV000379690.12), dbSNP rs56253731, ClinGen allele CA6783811.
Genomic context (GRCh38, chr12:110,332,581, plus strand): 5'-CTAACAAAGGTAGTTTATTTGTGTAGCATTTTTTAAAAATCCCTTTTAAATACTCTGATG[C>T]GCTCTCCCCCTACAGATGTTCATTCTGGACAGAGTGGAAGGTGATACTTGTTCCCTTAAT-3'